The following is an entry in ClinVar:

NM_176810.2(NLRP13):c.470C>T (p.Ala157Val)

Gene: NLRP13 (NLR family pyrin domain containing 13; minus strand). Cytogenetic location: 19q13.43.
Variant type: single nucleotide variant.
Coding change: c.470C>T on transcript NM_176810.2 (MANE Select); coding-DNA position 470, C replaced by T.
Protein change: p.Ala157Val; replaces alanine 157 with valine.
Molecular consequence: missense variant.
Genome position (GRCh38, 1-based): chr19:55,923,967, G>A on the plus strand (C>T on the coding strand, the complement: NLRP13 is on the minus strand). VCF-style: chr19-55923967-G-A. GRCh37 (hg19) VCF-style: chr19-56435333-G-A.
Other names: c.470C>T, p.Ala157Val (NM_001321057.1); short protein forms A157V.
Identifiers: ClinVar variation 103320 (VCV000103320.2), dbSNP rs199475874, ClinGen allele CA230411.
Genomic context (GRCh38, chr19:55,923,967, plus strand): 5'-TACACACCTGCTTCCTCTAGCATCTCTGGTTCTTCTTGGTTTGGATCTTGGCATCCCTGG[G>A]CCTGTACATTCCCTGAAATAAACAGTGATGATGAGATATGAAAATACCCCAGACTGAAAA-3'
Protein context (NP_789780.2, residues 147-167): ELEEETGNVQ[Ala157Val]QGCQDPNQEE

ClinVar aggregate classification (germline): not provided (0 of 4 stars; one submission).

Allele frequency attached by ClinVar (database versions not stated): gnomAD exomes below 0.00001; TOPMed below 0.00001.
gnomAD v4.1: 1 of 1,613,418 alleles (0.000062%); highest among the groups gnomAD compares: Non-Finnish European, 0.000085%; no homozygotes.

Submission:

Human Evolutionary Genetics, Institut Pasteur
No classification provided. Review status: no classification provided. Collection method: not provided. Allele origin: germline.
ClinVar note: Converted during submission from untested to not provided.